The following is an entry in ClinVar:

NM_133497.4(KCNV2):c.502G>A (p.Gly168Arg)

Gene: KCNV2 (potassium voltage-gated channel modifier subfamily V member 2; plus strand). Cytogenetic location: 9p24.2.
Variant type: single nucleotide variant.
Coding change: c.502G>A on transcript NM_133497.4 (MANE Select); coding-DNA position 502, G replaced by A.
Protein change: p.Gly168Arg; replaces glycine 168 with arginine.
Molecular consequence: missense variant.
Genome position (GRCh38, 1-based): chr9:2,718,241, G>A. VCF-style: chr9-2718241-G-A. GRCh37 (hg19) VCF-style: chr9-2718241-G-A.
Other names: short protein forms G168R.
Identifiers: ClinVar variation 1062820 (VCV001062820.8), dbSNP rs780340984, ClinGen allele CA4965479.

ClinVar aggregate classification (germline): Uncertain significance. Review status: criteria provided, multiple submitters, no conflicts (2 of 4 stars). 2 submissions from 2 submitters: Uncertain significance (2). Last evaluated 2024-09-18.

Allele frequency attached by ClinVar (database versions not stated): TOPMed 0.00001; ExAC 0.00002; gnomAD exomes 0.00002.
gnomAD v4.1: 71 of 1,613,286 alleles (0.0044%); highest among the groups gnomAD compares: East Asian, 0.058%; no homozygotes.

Submissions (2):

Blueprint Genetics
Classification: Uncertain significance. Last evaluated: 2024-09-18. Review status: criteria provided, single submitter. Criteria: ACMG Guidelines, 2015. Collection method: clinical testing. Allele origin: germline.

Labcorp Genetics (formerly Invitae), Labcorp
Classification: Uncertain significance. Last evaluated: 2022-10-05. Review status: criteria provided, single submitter. Criteria: Invitae Variant Classification Sherloc (09022015). Collection method: clinical testing. Allele origin: germline.
Comment: In summary, the available evidence is currently insufficient to determine the role of this variant in disease. Therefore, it has been classified as a Variant of Uncertain Significance. Algorithms developed to predict the effect of sequence changes on RNA splicing suggest that this variant may create or strengthen a splice site. Advanced modeling of protein sequence and biophysical properties (such as structural, functional, and spatial information, amino acid conservation, physicochemical variation, residue mobility, and thermodynamic stability) performed at Invitae indicates that this missense variant is expected to disrupt KCNV2 protein function. ClinVar contains an entry for this variant (Variation ID: 1062820). This variant has not been reported in the literature in individuals affected with KCNV2-related conditions. This variant is present in population databases (rs780340984, gnomAD 0.003%). This sequence change replaces glycine, which is neutral and non-polar, with arginine, which is basic and polar, at codon 168 of the KCNV2 protein (p.Gly168Arg).